The following is an entry in ClinVar:

ClinVar aggregate classification (germline): Likely pathogenic (1 of 4 stars; one submission).

Conditions:
Early-infantile DEE. Also called: Ohtahara syndrome; Early infantile epileptic encephalopathy with suppression bursts; Early infantile epileptic encephalopathy. Identifiers: Orphanet 1934, MedGen C0393706, MONDO:0800491.

Submission:

Labcorp Genetics (formerly Invitae), Labcorp
Classification: Likely pathogenic for Early-infantile DEE. Last evaluated: 2023-11-13. Review status: criteria provided, single submitter. Criteria: Invitae Variant Classification Sherloc (09022015). Collection method: clinical testing. Allele origin: germline.
Comment: This sequence change affects a donor splice site in intron 12 of the SPTAN1 gene. It is expected to disrupt RNA splicing. Variants that disrupt the donor or acceptor splice site typically lead to a loss of protein function (PMID: 16199547), and loss-of-function variants in SPTAN1 are known to be pathogenic (PMID: 31332438, 33206935). This variant is not present in population databases (gnomAD no frequency). This variant has not been reported in the literature in individuals affected with SPTAN1-related conditions. Algorithms developed to predict the effect of sequence changes on RNA splicing suggest that this variant may disrupt the consensus splice site. In summary, the currently available evidence indicates that the variant is pathogenic, but additional data are needed to prove that conclusively. Therefore, this variant has been classified as Likely Pathogenic.

Literature cited by the submitters: PubMed 16199547; PubMed 31332438; PubMed 33206935.

NM_001130438.3(SPTAN1):c.1572+1G>T

Gene: SPTAN1 (spectrin alpha, non-erythrocytic 1; plus strand). Cytogenetic location: 9q34.11.
Variant type: single nucleotide variant.
Coding change: c.1572+1G>T on transcript NM_001130438.3 (MANE Select); the canonical splice donor site of the intron after coding-DNA position 1572, G replaced by T.
Molecular consequence: splice donor variant.
Genome position (GRCh38, 1-based): chr9:128,581,893, G>T. VCF-style: chr9-128581893-G-T. GRCh37 (hg19) VCF-style: chr9-131344172-G-T.
Other names: c.1608+1G>T (NM_001375318.1, NM_001375312.2); c.1572+1G>T (NM_001375311.2, NM_001375314.2, NM_001375310.1 and 5 more transcripts).
Identifiers: ClinVar variation 2695413 (VCV002695413.3), dbSNP rs2541136016, ClinGen allele CA375054510.